The following is an entry in ClinVar:

ClinVar aggregate classification (germline): Uncertain significance. Review status: criteria provided, multiple submitters, no conflicts (2 of 4 stars). 2 submissions from 2 submitters: Uncertain significance (2). Last evaluated 2025-11-25.

Conditions:
Cardiovascular phenotype. Identifiers: MedGen CN230736.

Allele frequency attached by ClinVar (database versions not stated): TOPMed below 0.00001; ExAC 0.00001; gnomAD exomes below 0.00001; gnomAD 0.00001; ESP Exome Variant Server 0.00008.
gnomAD v4.1: 4 of 1,613,868 alleles (0.00025%); highest among the groups gnomAD compares: African/African-American, 0.0027%; no homozygotes.

Submissions (2):

Ambry Genetics
Classification: Uncertain significance for Cardiovascular phenotype. Last evaluated: 2025-11-25. Review status: criteria provided, single submitter. Criteria: Ambry Variant Classification Scheme 2023. Collection method: clinical testing. Allele origin: germline.
Comment: The p.K2277R variant (also known as c.6830A>G), located in coding exon 38 of the ANK2 gene, results from an A to G substitution at nucleotide position 6830. The lysine at codon 2277 is replaced by arginine, an amino acid with highly similar properties. This amino acid position is conserved. In addition, this alteration is predicted to be tolerated by in silico analysis. Based on the available evidence, the clinical significance of this variant remains unclear.

GeneDx
Classification: Uncertain significance. Last evaluated: 2023-05-15. Review status: criteria provided, single submitter. Criteria: GeneDx Variant Classification Process June 2021. Collection method: clinical testing. Allele origin: germline. Affected: yes.
Comment: Not observed at significant frequency in large population cohorts (gnomAD); In silico analysis supports that this missense variant does not alter protein structure/function; Has not been previously published as pathogenic or benign to our knowledge

NM_001148.6(ANK2):c.6830A>G (p.Lys2277Arg)

Genes: ANK2 (ankyrin 2; plus strand), LOC126807137 (CDK7 strongly-dependent group 2 enhancer GRCh37_chr4:114276560-114277759; plus strand). Cytogenetic location: 4q26.
Variant type: single nucleotide variant.
Coding change: c.6830A>G on transcript NM_001148.6 (MANE Select); coding-DNA position 6830, A replaced by G.
Protein change: p.Lys2277Arg; replaces lysine 2277 with arginine.
Molecular consequence: missense variant. On other transcripts: intron variant (68).
Genome position (GRCh38, 1-based): chr4:113,355,448, A>G. VCF-style: chr4-113355448-A-G. GRCh37 (hg19) VCF-style: chr4-114276604-A-G.
Other names: c.6596A>G, p.Lys2199Arg (NM_001386142.1); c.3230A>G, p.Lys1077Arg (NM_001386166.1); c.6971A>G, p.Lys2324Arg (NM_001386174.1); c.6947A>G, p.Lys2316Arg (NM_001386175.1); c.4411+5199A>G (NM_001386186.2, NM_001386148.2); c.4213+5199A>G (NM_001354269.3); c.4291+5199A>G (NM_001386187.2); c.4252+5199A>G (NM_001386147.1); and 35 more; short protein forms K2277R, K1077R, K2199R, K2316R, K2324R.
Identifiers: ClinVar variation 390162 (VCV000390162.4), dbSNP rs144109953, ClinGen allele CA3051480.
Genomic context (GRCh38, chr4:113,355,448, plus strand): 5'-AAACTGGGGAAACAAAGGAAAGCACCAAGACAGAAACCACCACAGAAATTCGTTCAGAAA[A>G]AGAGCATCCCACGACCAAAGACATTACTGGTGGCTCTGAAGAGCGAGGTGCCACAGTCAC-3'
Protein context (NP_001139.3, residues 2267-2287): TETTTEIRSE[Lys2277Arg]EHPTTKDITG